The following is an entry in ClinVar:

ClinVar aggregate classification (germline): Conflicting classifications of pathogenicity. Review status: criteria provided, conflicting classifications (1 of 4 stars). 7 submissions from 6 submitters: Uncertain significance (3); Likely benign (4). Last evaluated 2026-01-15.

Conditions:
MYH9-related disorder. Identifiers: MedGen C1854520.
Autosomal dominant nonsyndromic hearing loss 17. Also called: Autosomal dominant nonsyndromic deafness 17; Deafness, autosomal dominant 17. Identifiers: Orphanet 90635, MedGen C1863659, MONDO:0011350, OMIM 603622.

Allele frequency attached by ClinVar (database versions not stated): TOPMed below 0.00001; gnomAD 0.00001; gnomAD exomes 0.00001 and 0.00002.
gnomAD v4.1: 21 of 1,613,068 alleles (0.0013%); highest among the groups gnomAD compares: Middle Eastern, 0.033%; no homozygotes.

Submissions (7):

PreventionGenetics, part of Exact Sciences
Classification: Likely benign for MYH9-related condition. Last evaluated: 2026-01-15. Review status: criteria provided, single submitter. Criteria: ACMG Guidelines, 2015. Collection method: clinical testing. Allele origin: germline.
Comment: This variant is classified as likely benign based on ACMG/AMP sequence variant interpretation guidelines (Richards et al. 2015 PMID: 25741868, with internal and published modifications).

Labcorp Genetics (formerly Invitae), Labcorp
Classification: Likely benign. Last evaluated: 2024-12-31. Review status: criteria provided, single submitter. Criteria: Invitae Variant Classification Sherloc (09022015). Collection method: clinical testing. Allele origin: germline.

Blueprint Genetics
Classification: Likely benign. Last evaluated: 2024-05-30. Review status: criteria provided, single submitter. Criteria: ACMG Guidelines, 2015. Collection method: clinical testing. Allele origin: germline.

GeneDx
Classification: Likely benign. Last evaluated: 2020-10-26. Review status: criteria provided, single submitter. Criteria: GeneDx Variant Classification Process June 2021. Collection method: clinical testing. Allele origin: germline. Affected: yes.

Illumina Laboratory Services, Illumina
Classification: Uncertain significance for MYH9-related disorder. Last evaluated: 2018-01-13. Review status: criteria provided, single submitter. Criteria: ICSL Variant Classification Criteria 13 December 2019. Collection method: clinical testing. Allele origin: germline.

Illumina Laboratory Services, Illumina
Classification: Uncertain significance for Autosomal dominant nonsyndromic hearing loss 17. Last evaluated: 2018-01-13. Review status: criteria provided, single submitter. Criteria: ICSL Variant Classification Criteria 13 December 2019. Collection method: clinical testing. Allele origin: germline.

Laboratory for Molecular Medicine, Mass General Brigham Personalized Medicine
Classification: Uncertain significance. Last evaluated: 2015-11-19. Review status: criteria provided, single submitter. Criteria: LMM Criteria. Collection method: clinical testing. Allele origin: germline. Observed: 1 variant allele.
Comment: Variant classified as Uncertain Significance - Favor Benign. The c.519-6T>G vari ant in MYH9 has not been previously reported in individuals with hearing loss or in the large population studies. This variant is located in the 3' splice regio n. Computational tools do not suggest an impact to splicing and the thymine nucl eotide (T) at this position is not well conserved across species. However, this information is not predictive enough to rule out pathogenicity. In summary, whil e the clinical significance of the c.519-6T>G variant is uncertain, the computat ional and conservation data suggests it is more likely to be benign.

NM_002473.6(MYH9):c.519-6T>G

Gene: MYH9 (myosin heavy chain 9; minus strand). Cytogenetic location: 22q12.3.
Variant type: single nucleotide variant.
Coding change: c.519-6T>G on transcript NM_002473.6 (MANE Select); 6 bases into the intron before coding-DNA position 519, T replaced by G.
Molecular consequence: intron variant.
Genome position (GRCh38, 1-based): chr22:36,326,667, A>C on the plus strand (T>G on the coding strand, the complement: MYH9 is on the minus strand). VCF-style: chr22-36326667-A-C. GRCh37 (hg19) VCF-style: chr22-36722712-A-C.
Other names: c.519-6T>G (NM_002473.5).
Identifiers: ClinVar variation 228929 (VCV000228929.17), dbSNP rs867195616, ClinGen allele CA10577139.